The following is an entry in ClinVar:

NM_001042492.3(NF1):c.3579T>G (p.Phe1193Leu)

Gene: NF1 (neurofibromin 1; plus strand). Cytogenetic location: 17q11.2.
Variant type: single nucleotide variant.
Coding change: c.3579T>G on transcript NM_001042492.3 (MANE Select); coding-DNA position 3579, T replaced by G.
Protein change: p.Phe1193Leu; replaces phenylalanine 1193 with leucine.
Molecular consequence: missense variant.
Genome position (GRCh38, 1-based): chr17:31,233,084, T>G. VCF-style: chr17-31233084-T-G. GRCh37 (hg19) VCF-style: chr17-29560102-T-G.
Other names: c.3579T>G, p.Phe1193Leu (NM_000267.4); short protein forms F1193L.
Identifiers: ClinVar variation 694510 (VCV000694510.2), dbSNP rs2067142728, ClinGen allele CA398990150.
Genomic context (GRCh38, chr17:31,233,084, plus strand): 5'-CCAGACAAGAGCTACATTTATGGAAGTTCTGACAAAAATCCTTCAACAAGGCACAGAATT[T>G]GACACACTTGCAGAAACAGTATTGGCTGATCGGTTTGAGAGATTGGTGGAACTGGTCACA-3'
Protein context (NP_001035957.1, residues 1183-1203): LTKILQQGTE[Phe1193Leu]DTLAETVLAD

ClinVar aggregate classification (germline): Pathogenic. Review status: criteria provided, multiple submitters, no conflicts (2 of 4 stars). 2 submissions from 2 submitters: Pathogenic (2). Last evaluated 2025-02-26.

Conditions:
Neurofibromatosis, type 1 (NF1). Also called: Peripheral type neurofibromatosis; Neurofibromatosis, type I; VON RECKLINGHAUSEN DISEASE; NEUROFIBROMATOSIS, TYPE I, SOMATIC. Identifiers: Orphanet 636, MedGen C0027831, MONDO:0018975, OMIM 162200. Disease mechanism: loss of function.

Submissions (2):

Labcorp Genetics (formerly Invitae), Labcorp
Classification: Pathogenic for Neurofibromatosis, type 1. Last evaluated: 2025-02-26. Review status: criteria provided, single submitter. Criteria: Invitae Variant Classification Sherloc (09022015). Collection method: clinical testing. Allele origin: germline.
Comment: This sequence change replaces phenylalanine, which is neutral and non-polar, with leucine, which is neutral and non-polar, at codon 1193 of the NF1 protein (p.Phe1193Leu). This variant is not present in population databases (gnomAD no frequency). This missense change has been observed in individual(s) with neurofibromatosis, type 1 (PMID: 34080803). It has also been observed to segregate with disease in related individuals. ClinVar contains an entry for this variant (Variation ID: 694510). Invitae Evidence Modeling of protein sequence and biophysical properties (such as structural, functional, and spatial information, amino acid conservation, physicochemical variation, residue mobility, and thermodynamic stability) indicates that this missense variant is expected to disrupt NF1 protein function with a positive predictive value of 95%. For these reasons, this variant has been classified as Pathogenic.

Medical Molecular Genetics Department, National Research Center
Classification: Pathogenic for Neurofibromatosis, type 1. Review status: criteria provided, single submitter. Criteria: ACMG Guidelines, 2015. Collection method: clinical testing. Allele origin: maternal. Affected: yes. Observed: 4 variant alleles.

Literature cited by the submitters: PubMed 34080803 (cited by Labcorp Genetics (formerly Invitae), Labcorp).